The following is an entry in ClinVar:

NM_000548.5(TSC2):c.4969T>C (p.Phe1657Leu)

Gene: TSC2 (TSC complex subunit 2; plus strand). Cytogenetic location: 16p13.3.
Variant type: single nucleotide variant.
Coding change: c.4969T>C on transcript NM_000548.5 (MANE Select); coding-DNA position 4969, T replaced by C.
Protein change: p.Phe1657Leu; replaces phenylalanine 1657 with leucine.
Molecular consequence: missense variant. On other transcripts: non-coding transcript variant (5).
Genome position (GRCh38, 1-based): chr16:2,086,851, T>C. VCF-style: chr16-2086851-T-C. GRCh37 (hg19) VCF-style: chr16-2136852-T-C.
Other names: c.4840T>C, p.Phe1614Leu (NM_001370405.1, NM_021055.3); c.4966T>C, p.Phe1656Leu (NM_001406663.1); c.4897T>C, p.Phe1633Leu (NM_001406664.1); c.4891T>C, p.Phe1631Leu (NM_001406665.1); c.4861T>C, p.Phe1621Leu (NM_001406667.1); c.4858T>C, p.Phe1620Leu (NM_001406668.1); c.4789T>C, p.Phe1597Leu (NM_001406670.1); c.4759T>C, p.Phe1587Leu (NM_001406671.1); and 26 more; short protein forms F1142L, F1143L, F1390L, F1391L, F1437L, F1587L, F1597L, F1601L.
Identifiers: ClinVar variation 4842403 (VCV004842403.1).

ClinVar aggregate classification (germline): Uncertain significance (1 of 4 stars; one submission).

Conditions:
Hereditary cancer-predisposing syndrome. Also called: Neoplastic Syndromes, Hereditary; Tumor predisposition; Hereditary Cancer Syndrome; Hereditary neoplastic syndrome. Identifiers: Orphanet 140162, MedGen C0027672, MeSH D009386, MONDO:0015356.

Submission:

Ambry Genetics
Classification: Uncertain significance for Hereditary cancer-predisposing syndrome. Last evaluated: 2025-12-17. Review status: criteria provided, single submitter. Criteria: Ambry Variant Classification Scheme 2023. Collection method: clinical testing. Allele origin: germline.
Comment: The p.F1657L variant (also known as c.4969T>C), located in coding exon 37 of the TSC2 gene, results from a T to C substitution at nucleotide position 4969. The phenylalanine at codon 1657 is replaced by leucine, an amino acid with highly similar properties. This amino acid position is not well conserved in available vertebrate species. In addition, this alteration is predicted to be deleterious by in silico analysis. Based on the available evidence, the clinical significance of this variant remains unclear.